The following is an entry in ClinVar:

ClinVar aggregate classification (germline): Benign/Likely benign. Review status: criteria provided, multiple submitters, no conflicts (2 of 4 stars). 2 submissions from 2 submitters: Benign (1); Likely benign (1). Last evaluated 2024-05-16.

Conditions:
Hereditary cancer-predisposing syndrome. Also called: Hereditary Cancer Syndrome; Hereditary neoplastic syndrome; Neoplastic Syndromes, Hereditary; Tumor predisposition. Identifiers: Orphanet 140162, MedGen C0027672, MeSH D009386, MONDO:0015356.
Familial cancer of breast. Also called: Hereditary breast cancer; BREAST CANCER, FAMILIAL; hereditary breast carcinoma. Identifiers: Orphanet 227535, MedGen C0346153, MONDO:0016419, OMIM 114480. Disease mechanism: loss of function.

Allele frequency attached by ClinVar (database versions not stated): gnomAD exomes 0.00001; ExAC 0.00002.
gnomAD v4.1: 5 of 1,613,416 alleles (0.00031%); highest among the groups gnomAD compares: Non-Finnish European, 0.00034%; no homozygotes.

Submissions (2):

Myriad Genetics, Inc.
Classification: Benign for Familial cancer of breast. Last evaluated: 2024-05-16. Review status: criteria provided, single submitter. Criteria: Myriad Autosomal Dominant, Autosomal Recessive and X-Linked Classification Criteria (2023). Collection method: clinical testing. Allele origin: unknown.
Comment: This variant is considered benign. This variant is a silent/synonymous amino acid change and it is not expected to impact splicing.

Ambry Genetics
Classification: Likely benign for Hereditary cancer-predisposing syndrome. Last evaluated: 2022-10-20. Review status: criteria provided, single submitter. Criteria: Ambry Variant Classification Scheme 2023. Collection method: clinical testing. Allele origin: germline.

NM_000051.4(ATM):c.4164A>G (p.Ala1388=)

Gene: ATM (ATM serine/threonine kinase; plus strand). Cytogenetic location: 11q22.3.
Variant type: single nucleotide variant.
Coding change: c.4164A>G on transcript NM_000051.4 (MANE Select); coding-DNA position 4164, A replaced by G.
Protein change: p.Ala1388=; no amino-acid change (alanine 1388 retained).
Molecular consequence: synonymous variant.
Genome position (GRCh38, 1-based): chr11:108,289,031, A>G. VCF-style: chr11-108289031-A-G. GRCh37 (hg19) VCF-style: chr11-108159758-A-G.
Other names: c.4164A>G, p.Ala1388= (NM_001351834.2).
Identifiers: ClinVar variation 1738361 (VCV001738361.3), dbSNP rs778721327, ClinGen allele CA6265411.